The following is an entry in ClinVar:

NM_024306.5(FA2H):c.614-229C>T

Gene: FA2H (fatty acid 2-hydroxylase; minus strand). Cytogenetic location: 16q23.1.
Variant type: single nucleotide variant.
Coding change: c.614-229C>T on transcript NM_024306.5 (MANE Select); 229 bases into the intron before coding-DNA position 614, C replaced by T.
Molecular consequence: intron variant.
Genome position (GRCh38, 1-based): chr16:74,719,389, G>A on the plus strand (C>T on the coding strand, the complement: FA2H is on the minus strand). VCF-style: chr16-74719389-G-A. GRCh37 (hg19) VCF-style: chr16-74753287-G-A.
Identifiers: ClinVar variation 4883207 (VCV004883207.2).

ClinVar aggregate classification (germline): Uncertain significance (1 of 4 stars; one submission).

gnomAD v4.1: 1 of 152,244 alleles (0.00066%); highest among the groups gnomAD compares: African/African-American, 0.0024%; no homozygotes.

Submission:

Dasa
Classification: Uncertain significance. Last evaluated: 2025-07-24. Review status: criteria provided, single submitter. Criteria: DASA Assertion Criteria. Collection method: clinical testing. Allele origin: germline.
Comment: NM_024306.5(FA2H):c.614-229C>T is an intronic variant. This variant is rare in population databases. Computational prediction algorithms are consistent with a benign effect. The currently available literature and clinical evidence are not sufficient to establish a definitive association between this variant and the reported condition. Therefore, this variant is classified as a variant of uncertain significance.